The following is an entry in ClinVar:

ClinVar aggregate classification (germline): Uncertain significance (1 of 4 stars; one submission).

Conditions:
Severe myoclonic epilepsy in infancy (DRVT). Also called: Dravet syndrome; SEVERE MYOCLONIC EPILEPSY OF INFANCY; DEVELOPMENTAL AND EPILEPTIC ENCEPHALOPATHY 6A; Severe Myoclonic Epilepsy in Infancy (SMEI); Epileptic encephalopathy, early infantile, 6 (Dravet syndrome). Identifiers: Orphanet 33069, MedGen C0751122, MONDO:0100135, OMIM 607208.

Allele frequency attached by ClinVar (database versions not stated): ExAC 0.00001; gnomAD exomes 0.00001.
gnomAD v4.1: 8 of 1,608,518 alleles (0.0005%); highest among the groups gnomAD compares: Non-Finnish European, 0.00025%; no homozygotes.

Submission:

Labcorp Genetics (formerly Invitae), Labcorp
Classification: Uncertain significance for Severe myoclonic epilepsy in infancy. Last evaluated: 2021-07-24. Review status: criteria provided, single submitter. Criteria: Invitae Variant Classification Sherloc (09022015). Collection method: clinical testing. Allele origin: germline.
Comment: Algorithms developed to predict the effect of missense changes on protein structure and function (SIFT, PolyPhen-2, Align-GVGD) all suggest that this variant is likely to be tolerated. This variant has not been reported in the literature in individuals affected with SNX27-related conditions. This variant is present in population databases (rs745875154, ExAC 0.002%). This sequence change replaces serine with asparagine at codon 312 of the SNX27 protein (p.Ser312Asn). The serine residue is moderately conserved and there is a small physicochemical difference between serine and asparagine. In summary, the available evidence is currently insufficient to determine the role of this variant in disease. Therefore, it has been classified as a Variant of Uncertain Significance.

NM_001330723.2(SNX27):c.935G>A (p.Ser312Asn)

Gene: SNX27 (sorting nexin 27; plus strand). Cytogenetic location: 1q21.3.
Variant type: single nucleotide variant.
Coding change: c.935G>A on transcript NM_001330723.2 (MANE Select); coding-DNA position 935, G replaced by A.
Protein change: p.Ser312Asn; replaces serine 312 with asparagine.
Molecular consequence: missense variant.
Genome position (GRCh38, 1-based): chr1:151,665,961, G>A. VCF-style: chr1-151665961-G-A. GRCh37 (hg19) VCF-style: chr1-151638437-G-A.
Other names: c.935G>A, p.Ser312Asn (NM_030918.6); short protein forms S312N.
Identifiers: ClinVar variation 1521156 (VCV001521156.8), dbSNP rs745875154, ClinGen allele CA1093547.